The following is an entry in ClinVar:

ClinVar aggregate classification (germline): Benign/Likely benign. Review status: criteria provided, multiple submitters, no conflicts (2 of 4 stars). 2 submissions from 2 submitters: Benign (1); Likely benign (1). Last evaluated 2026-09-18.

Conditions:
Colorectal cancer, hereditary nonpolyposis, type 7. Identifiers: Orphanet 144, MedGen C1858380, MONDO:0013725, OMIM 614385.

Submissions (2):

Myriad Genetics, Inc.
Classification: Benign for Colorectal cancer, hereditary nonpolyposis, type 7. Last evaluated: 2026-09-18. Review status: criteria provided, single submitter. Criteria: Myriad Autosomal Dominant, Autosomal Recessive and X-Linked Classification Criteria (2023). Collection method: clinical testing. Allele origin: unknown.
Comment: This variant is considered benign. This variant is a silent/synonymous amino acid change and it is not expected to impact splicing.

Ambry Genetics
Classification: Likely benign. Last evaluated: 2026-07-20. Review status: criteria provided, single submitter. Criteria: Ambry Variant Classification Scheme 2023. Collection method: clinical testing. Allele origin: germline.

NM_001040108.2(MLH3):c.1401A>G (p.Glu467=)

Gene: MLH3 (mutL homolog 3; minus strand). Cytogenetic location: 14q24.3.
Variant type: single nucleotide variant.
Coding change: c.1401A>G on transcript NM_001040108.2 (MANE Select); coding-DNA position 1401, A replaced by G.
Protein change: p.Glu467=; no amino-acid change (glutamic acid 467 retained).
Molecular consequence: synonymous variant.
Genome position (GRCh38, 1-based): chr14:75,048,255, T>C on the plus strand (A>G on the coding strand, the complement: MLH3 is on the minus strand). VCF-style: chr14-75048255-T-C. GRCh37 (hg19) VCF-style: chr14-75514958-T-C.
Other names: c.1401A>G, p.Glu467= (NM_014381.3).
Identifiers: ClinVar variation 5024597 (VCV005024597.2).
Genomic context (GRCh38, chr14:75,048,255, plus strand): 5'-ATGTTTCTCATTTTCTCCAGCTTCTGATGCTACAATTGTCTCTTGTTCTAACATCTTTGA[T>C]TCTGAGCAAGAGCTGTCTTTGTTTTGTAAAGATGGCTCTGTCATTTTGCTATGGCCTGGA-3'
Protein context (NP_001035197.1, residues 457-477): SLQNKDSSCS[Glu467=]SKMLEQETIV